The following is an entry in ClinVar:

NM_001146079.2(CLDN14):c.185A>G (p.Tyr62Cys)

Genes: CLDN14 (claudin 14; minus strand), CLDN14-AS1 (CLDN14 antisense RNA 1; plus strand). Cytogenetic location: 21q22.13.
Variant type: single nucleotide variant.
Coding change: c.185A>G on transcript NM_001146079.2 (MANE Select); coding-DNA position 185, A replaced by G.
Protein change: p.Tyr62Cys; replaces tyrosine 62 with cysteine.
Molecular consequence: missense variant.
Genome position (GRCh38, 1-based): chr21:36,461,511, T>C on the plus strand (A>G on the coding strand, the complement: CLDN14 is on the minus strand). VCF-style: chr21-36461511-T-C. GRCh37 (hg19) VCF-style: chr21-37833809-T-C.
Other names: c.185A>G (NM_144492.2); c.185A>G, p.Tyr62Cys (NM_001146077.2, NM_001146078.3, NM_012130.4 and 1 more transcripts); short protein forms Y62C.
Identifiers: ClinVar variation 228518 (VCV000228518.16), dbSNP rs148223897, ClinGen allele CA10019326.
Genomic context (GRCh38, chr21:36,461,511, plus strand): 5'-GCGCGGGCAGCCTGGAGGTCTTGGGGCAGCGCCAGCAGGGATCGGTAGATCTGGCACTGG[T>C]AGATGCCTGTGCTGTGCCACACACACTCCATCCAGAGCCCTTTCAGGTAGGACACGGCCG-3'
Protein context (NP_001139551.1, residues 52-72): MECVWHSTGI[Tyr62Cys]QCQIYRSLLA

ClinVar aggregate classification (germline): Conflicting classifications of pathogenicity. Review status: criteria provided, conflicting classifications (1 of 4 stars). 6 submissions from 6 submitters: Uncertain significance (5); Likely benign (1). Last evaluated 2026-08-21.

Conditions:
CLDN14-related disorder. Also called: CLDN14-related condition.
Vein of Galen aneurysmal malformation (VGAM). Also called: Vein of Galen aneurysm; Aneurysm of the vein of Galen; Vein of Galen malformation; Ectasia or varix of the vein of Galen; Galenic arteriovenous malformation; Vein of Galen aneurysm malformation. Identifiers: Orphanet 1053, MedGen C0431420, MONDO:0015196, HP:0030713.

Allele frequency attached by ClinVar (database versions not stated): 1000 Genomes Project 0.00020; 1000 Genomes Project 30x 0.00031; ExAC 0.00045; ESP Exome Variant Server 0.00046; gnomAD 0.00046 and 0.00048; gnomAD exomes 0.00048 and 0.00067; TOPMed 0.00048.
gnomAD v4.1: 1,030 of 1,613,332 alleles (0.064%); highest among the groups gnomAD compares: Non-Finnish European, 0.082%; 1 homozygote.

Submissions (6):

PreventionGenetics, part of Exact Sciences
Classification: Uncertain significance for CLDN14-related condition. Last evaluated: 2026-08-21. Review status: criteria provided, single submitter. Criteria: ACMG Guidelines, 2015. Collection method: clinical testing. Allele origin: germline.
Comment: The CLDN14 c.185A>G variant is predicted to result in the amino acid substitution p.Tyr62Cys. To our knowledge, this variant has not been reported in the literature. This variant is reported in 0.089% of alleles in individuals of European (Non-Finnish) descent in gnomAD, which may be too common to be a primary cause of disease. Although we suspect that this variant may be benign, at this time, the clinical significance of this variant is uncertain due to the absence of conclusive functional and genetic evidence.

Labcorp Genetics (formerly Invitae), Labcorp
Classification: Uncertain significance. Last evaluated: 2025-01-13. Review status: criteria provided, single submitter. Criteria: Invitae Variant Classification Sherloc (09022015). Collection method: clinical testing. Allele origin: germline.
Comment: This sequence change replaces tyrosine, which is neutral and polar, with cysteine, which is neutral and slightly polar, at codon 62 of the CLDN14 protein (p.Tyr62Cys). This variant is present in population databases (rs148223897, gnomAD 0.09%), and has an allele count higher than expected for a pathogenic variant. This variant has not been reported in the literature in individuals affected with CLDN14-related conditions. ClinVar contains an entry for this variant (Variation ID: 228518). An algorithm developed to predict the effect of missense changes on protein structure and function (PolyPhen-2) suggests that this variant is likely to be disruptive. In summary, the available evidence is currently insufficient to determine the role of this variant in disease. Therefore, it has been classified as a Variant of Uncertain Significance.

Blueprint Genetics
Classification: Uncertain significance. Last evaluated: 2024-10-17. Review status: criteria provided, single submitter. Criteria: ACMG Guidelines, 2015. Collection method: clinical testing. Allele origin: germline.

Clinical Genomics Laboratory, Washington University in St. Louis
Classification: Uncertain significance for Vein of Galen malformation. Last evaluated: 2023-09-29. Review status: criteria provided, single submitter. Criteria: ACMG Guidelines, 2015. Collection method: clinical testing. Allele origin: germline.
Comment: The CLDN14 c.185A>G (p.Tyr62Cys) variant was identified at a near heterozygous allelic fraction. This variant, to our knowledge, has not been reported in the literature in association with lipomatous neoplasms. This variant has been reported in the ClinVar database as a variant of uncertain significance by two submitters and a likely benign variant by one submitter (ClinVar ID: 228518). Computational predictors indicate that the variant is damaging, evidence that correlates with impact on CLDN14 function. Due to limited information and based on ACMG/AMP guidelines for variant interpretation (Richards S et al., PMID: 25741868), the clinical significance of this variant is uncertain at this time.

GeneDx
Classification: Likely benign. Last evaluated: 2019-12-31. Review status: criteria provided, single submitter. Criteria: GeneDx Variant Classification Process June 2021. Collection method: clinical testing. Allele origin: germline. Affected: yes.

Laboratory for Molecular Medicine, Mass General Brigham Personalized Medicine
Classification: Uncertain significance. Last evaluated: 2017-03-28. Review status: criteria provided, single submitter. Criteria: LMM Criteria. Collection method: clinical testing. Allele origin: germline. Observed: 2 variant alleles.
Comment: This variant has also been identified in 0.1 % (48/64036) of European chromosomes by the Exome Aggregation Consortium (ExAC; dbSNP rs148223897); however it's frequency is no t high enough to rule out a pathogenic role. Computational prediction tools and conservation analysis suggest that this variant may impact the protein, though t his information is not predictive enough to determine pathogenicity. In summary, the clinical significance of the p.Tyr62Cys variant is uncertain.

Literature cited by the submitters: PubMed 23991001 (cited by Laboratory for Molecular Medicine, Mass General Brigham Personalized Medicine).